The following is an entry in ClinVar:

ClinVar aggregate classification (germline): Conflicting classifications of pathogenicity. Review status: criteria provided, conflicting classifications (1 of 4 stars). 8 submissions from 8 submitters: Uncertain significance (1); Likely benign (6). 1 of the submissions does not count toward it. Last evaluated 2026-09-01.

Conditions:
Cardiovascular phenotype. Identifiers: MedGen CN230736.
GAA-related disorder. Also called: GAA-related condition.
Glycogen storage disease, type II (IOPD). Also called: POMPE DISEASE, INFANTILE-ONSET; GLYCOGEN STORAGE DISEASE II, INFANTILE-ONSET; ACID ALPHA-GLUCOSIDASE DEFICIENCY, INFANTILE-ONSET; GAA DEFICIENCY, INFANTILE-ONSET; ACID MALTASE DEFICIENCY, INFANTILE-ONSET; GLYCOGENOSIS, GENERALIZED, CARDIAC FORM. Identifiers: Orphanet 365, MedGen C0017921, MONDO:0009290, OMIM 232300.

Allele frequency attached by ClinVar (database versions not stated): gnomAD exomes 0.00002 and 0.00005; ExAC 0.00008; ESP Exome Variant Server 0.00008; gnomAD 0.00012 and 0.00013; TOPMed 0.00019.
gnomAD v4.1: 43 of 1,610,838 alleles (0.0027%); highest among the groups gnomAD compares: African/African-American, 0.051%; no homozygotes.

Submissions (8):

CeGaT Center for Human Genetics Tuebingen
Classification: Likely benign. Last evaluated: 2026-09-01. Review status: criteria provided, single submitter. Criteria: CeGaT Center For Human Genetics Tuebingen Variant Classification Criteria Version 2. Collection method: clinical testing. Allele origin: germline. Affected: yes. Observed: 1 variant allele.
Comment: GAA: BP4, BP7

Labcorp Genetics (formerly Invitae), Labcorp
Classification: Likely benign for Glycogen storage disease, type II. Last evaluated: 2025-12-24. Review status: criteria provided, single submitter. Criteria: Invitae Variant Classification Sherloc (09022015). Collection method: clinical testing. Allele origin: germline.

Blueprint Genetics
Classification: Likely benign. Last evaluated: 2023-09-12. Review status: criteria provided, single submitter. Criteria: ACMG Guidelines, 2015. Collection method: clinical testing. Allele origin: germline.

Ambry Genetics
Classification: Likely benign for Cardiovascular phenotype. Last evaluated: 2022-03-06. Review status: criteria provided, single submitter. Criteria: Ambry Variant Classification Scheme 2023. Collection method: clinical testing. Allele origin: germline.

Genome-Nilou Lab
Classification: Likely benign for Glycogen storage disease, type II. Last evaluated: 2021-07-22. Review status: criteria provided, single submitter. Criteria: ACMG Guidelines, 2015. Collection method: clinical testing. Allele origin: germline. Affected: no.

GeneDx
Classification: Likely benign. Last evaluated: 2021-04-02. Review status: criteria provided, single submitter. Criteria: GeneDx Variant Classification Process June 2021. Collection method: clinical testing. Allele origin: germline. Affected: yes.

Eurofins Ntd Llc (ga)
Classification: Uncertain significance. Last evaluated: 2017-11-06. Review status: criteria provided, single submitter. Criteria: EGL Classification Definitions 2015. Collection method: clinical testing. Allele origin: germline. Observed: 3 variant alleles, 3 heterozygotes.

PreventionGenetics, part of Exact Sciences
Classification: Likely benign for GAA-related condition. Last evaluated: 2019-08-14. Review status: no assertion criteria provided. Collection method: clinical testing. Allele origin: germline. Not counted in ClinVar's aggregate classification.
Comment: This variant is classified as likely benign based on ACMG/AMP sequence variant interpretation guidelines (Richards et al. 2015 PMID: 25741868, with internal and published modifications).

NM_000152.5(GAA):c.1860C>T (p.Ser620=)

Gene: GAA (alpha glucosidase; plus strand). Cytogenetic location: 17q25.3.
Variant type: single nucleotide variant.
Coding change: c.1860C>T on transcript NM_000152.5 (MANE Select); coding-DNA position 1860, C replaced by T.
Protein change: p.Ser620=; no amino-acid change (serine 620 retained).
Molecular consequence: synonymous variant.
Genome position (GRCh38, 1-based): chr17:80,112,683, C>T. VCF-style: chr17-80112683-C-T. GRCh37 (hg19) VCF-style: chr17-78086482-C-T.
Other names: c.1860C>T, p.Ser620= (NM_001079803.3, NM_001079804.3); c.1860C>T (NM_000152.4).
Identifiers: ClinVar variation 499822 (VCV000499822.27), dbSNP rs370369972, ClinGen allele CA8815501.